The following is an entry in ClinVar:

NM_003073.5(SMARCB1):c.884T>C (p.Leu295Pro)

Gene: SMARCB1 (SWI/SNF related BAF chromatin remodeling complex subunit B1; plus strand). Cytogenetic location: 22q11.23.
Variant type: single nucleotide variant.
Coding change: c.884T>C on transcript NM_003073.5 (MANE Select); coding-DNA position 884, T replaced by C.
Protein change: p.Leu295Pro; replaces leucine 295 with proline.
Molecular consequence: missense variant.
Genome position (GRCh38, 1-based): chr22:23,825,313, T>C. VCF-style: chr22-23825313-T-C. GRCh37 (hg19) VCF-style: chr22-24167500-T-C.
Other names: c.938T>C, p.Leu313Pro (NM_001362877.2); c.857T>C, p.Leu286Pro (NM_001007468.3); c.911T>C, p.Leu304Pro (NM_001317946.2); short protein forms L286P, L304P, L313P, L295P.
Identifiers: ClinVar variation 4170249 (VCV004170249.1).

ClinVar aggregate classification (germline): Uncertain significance (1 of 4 stars; one submission).

Conditions:
Hereditary cancer-predisposing syndrome. Also called: Neoplastic Syndromes, Hereditary; Tumor predisposition; Hereditary Cancer Syndrome; Hereditary neoplastic syndrome. Identifiers: Orphanet 140162, MedGen C0027672, MeSH D009386, MONDO:0015356.

Submission:

Ambry Genetics
Classification: Uncertain significance for Hereditary cancer-predisposing syndrome. Last evaluated: 2025-08-25. Review status: criteria provided, single submitter. Criteria: Ambry Variant Classification Scheme 2023. Collection method: clinical testing. Allele origin: germline.
Comment: The p.L295P variant (also known as c.884T>C), located in coding exon 7 of the SMARCB1 gene, results from a T to C substitution at nucleotide position 884. The leucine at codon 295 is replaced by proline, an amino acid with similar properties. This amino acid position is conserved. In addition, this alteration is predicted to be deleterious by in silico analysis. Based on the available evidence, the clinical significance of this variant remains unclear.